The following is an entry in ClinVar:

NM_000434.4(NEU1):c.727G>A (p.Gly243Arg)

Gene: NEU1 (neuraminidase 1; minus strand). Cytogenetic location: 6p21.33.
Variant type: single nucleotide variant.
Coding change: c.727G>A on transcript NM_000434.4 (MANE Select); coding-DNA position 727, G replaced by A.
Protein change: p.Gly243Arg; replaces glycine 243 with arginine.
Molecular consequence: missense variant.
Genome position (GRCh38, 1-based): chr6:31,860,510, C>T on the plus strand (G>A on the coding strand, the complement: NEU1 is on the minus strand). VCF-style: chr6-31860510-C-T. GRCh37 (hg19) VCF-style: chr6-31828287-C-T.
Other names: short protein forms G243R.
Identifiers: ClinVar variation 2450 (VCV000002450.11), dbSNP rs104893983, ClinGen allele CA115561.

ClinVar aggregate classification (germline): Pathogenic/Likely pathogenic. Review status: criteria provided, multiple submitters, no conflicts (2 of 4 stars). 4 submissions from 4 submitters: Pathogenic (2); Likely pathogenic (1). 1 of the submissions does not count toward it. Last evaluated 2026-01-26.

Conditions:
Sialidosis type 1. Also called: Cherry red spot myoclonus syndrome; Sialidosis type I. Identifiers: Orphanet 812, MedGen C0023806, MONDO:0019346.

Allele frequency attached by ClinVar (database versions not stated): gnomAD exomes 0.00002 and 0.00001; ExAC 0.00002.

Submissions (4):

Labcorp Genetics (formerly Invitae), Labcorp
Classification: Pathogenic. Last evaluated: 2026-01-26. Review status: criteria provided, single submitter. Criteria: Invitae Variant Classification Sherloc (09022015). Collection method: clinical testing. Allele origin: germline.
Comment: This sequence change replaces glycine, which is neutral and non-polar, with arginine, which is basic and polar, at codon 243 of the NEU1 protein (p.Gly243Arg). This variant is present in population databases (rs104893983, gnomAD 0.007%). This missense change has been observed in individual(s) with sialidosis type I (PMID: 10944856, 19415310, 34992946). ClinVar contains an entry for this variant (Variation ID: 2450). Invitae Evidence Modeling of protein sequence and biophysical properties (such as structural, functional, and spatial information, amino acid conservation, physicochemical variation, residue mobility, and thermodynamic stability) indicates that this missense variant is not expected to disrupt NEU1 protein function with a negative predictive value of 80%. Experimental studies have shown that this missense change affects NEU1 function (PMID: 10944856). For these reasons, this variant has been classified as Pathogenic.

GeneDx
Classification: Likely pathogenic. Last evaluated: 2023-09-20. Review status: criteria provided, single submitter. Criteria: GeneDx Variant Classification Process June 2021. Collection method: clinical testing. Allele origin: germline. Affected: yes.
Comment: Published functional studies found this variant is associated with significantly reduced enzyme activity and mislocalization (Naganawa Y et al., 2000); Not observed at significant frequency in large population cohorts (gnomAD); In silico analysis supports that this missense variant has a deleterious effect on protein structure/function; This variant is associated with the following publications: (PMID: 34426522, 16538002, 10944856, 11829139, 34992946, 32472645, 19415310)

Eurofins Ntd Llc (ga)
Classification: Pathogenic. Last evaluated: 2013-06-28. Review status: criteria provided, single submitter. Criteria: EGL Classification Definitions 2015. Collection method: clinical testing. Allele origin: germline. Observed: 1 variant allele, 1 heterozygote.

OMIM
Classification: Pathogenic for SIALIDOSIS, TYPE I. Last evaluated: 2000-01-01. Review status: no assertion criteria provided. Collection method: literature only. Allele origin: germline. Not counted in ClinVar's aggregate classification.

Literature cited by the submitters: PubMed 10944856 (cited by 3 submitters); PubMed 19415310 (cited by Labcorp Genetics (formerly Invitae), Labcorp and Eurofins Ntd Llc (ga)); PubMed 34992946 (cited by Labcorp Genetics (formerly Invitae), Labcorp).